The following is an entry in ClinVar:

NM_000875.5(IGF1R):c.2606A>G (p.Tyr869Cys)

Gene: IGF1R (insulin like growth factor 1 receptor; plus strand). Cytogenetic location: 15q26.3.
Variant type: single nucleotide variant.
Coding change: c.2606A>G on transcript NM_000875.5 (MANE Select); coding-DNA position 2606, A replaced by G.
Protein change: p.Tyr869Cys; replaces tyrosine 869 with cysteine.
Molecular consequence: missense variant.
Genome position (GRCh38, 1-based): chr15:98,923,996, A>G. VCF-style: chr15-98923996-A-G. GRCh37 (hg19) VCF-style: chr15-99467225-A-G.
Other names: c.2606A>G, p.Tyr869Cys (NM_001291858.2); short protein forms Y869C.
Identifiers: ClinVar variation 3665232 (VCV003665232.2).

ClinVar aggregate classification (germline): Uncertain significance (1 of 4 stars; one submission).

Submission:

Labcorp Genetics (formerly Invitae), Labcorp
Classification: Uncertain significance. Last evaluated: 2025-11-03. Review status: criteria provided, single submitter. Criteria: Invitae Variant Classification Sherloc (09022015). Collection method: clinical testing. Allele origin: germline.
Comment: This sequence change replaces tyrosine, which is neutral and polar, with cysteine, which is neutral and slightly polar, at codon 869 of the IGF1R protein (p.Tyr869Cys). This variant is not present in population databases (gnomAD no frequency). This variant has not been reported in the literature in individuals affected with IGF1R-related conditions. ClinVar contains an entry for this variant (Variation ID: 3665232). Invitae Evidence Modeling of protein sequence and biophysical properties (such as structural, functional, and spatial information, amino acid conservation, physicochemical variation, residue mobility, and thermodynamic stability) has been performed for this missense variant. However, the output from this modeling did not meet the statistical confidence thresholds required to predict the impact of this variant on IGF1R protein function. In summary, the available evidence is currently insufficient to determine the role of this variant in disease. Therefore, it has been classified as a Variant of Uncertain Significance.